The following is an entry in ClinVar:

NM_000170.3(GLDC):c.1097A>G (p.Gln366Arg)

Gene: GLDC (glycine decarboxylase; minus strand). Cytogenetic location: 9p24.1.
Variant type: single nucleotide variant.
Coding change: c.1097A>G on transcript NM_000170.3 (MANE Select); coding-DNA position 1097, A replaced by G.
Protein change: p.Gln366Arg; replaces glutamine 366 with arginine.
Molecular consequence: missense variant.
Genome position (GRCh38, 1-based): chr9:6,602,167, T>C on the plus strand (A>G on the coding strand, the complement: GLDC is on the minus strand). VCF-style: chr9-6602167-T-C. GRCh37 (hg19) VCF-style: chr9-6602167-T-C.
Other names: short protein forms Q366R.
Identifiers: ClinVar variation 2136741 (VCV002136741.4), dbSNP rs201333795, ClinGen allele CA188679810.

ClinVar aggregate classification (germline): Pathogenic (1 of 4 stars; one submission).

Conditions:
Glycine encephalopathy. Also called: Non-ketotic hyperglycinemia; Nonketotic hyperglycinemia. Identifiers: Orphanet 407, MedGen C0751748, MONDO:0011612, HP:0008288.

Submission:

Labcorp Genetics (formerly Invitae), Labcorp
Classification: Pathogenic for Glycine encephalopathy. Last evaluated: 2022-05-07. Review status: criteria provided, single submitter. Criteria: Invitae Variant Classification Sherloc (09022015). Collection method: clinical testing. Allele origin: germline.
Comment: For these reasons, this variant has been classified as Pathogenic. Advanced modeling of protein sequence and biophysical properties (such as structural, functional, and spatial information, amino acid conservation, physicochemical variation, residue mobility, and thermodynamic stability) performed at Invitae indicates that this missense variant is expected to disrupt GLDC protein function. This missense change has been observed in individual(s) with glycine encephalopathy (PMID: 26179960). This variant is not present in population databases (gnomAD no frequency). This sequence change replaces glutamine, which is neutral and polar, with arginine, which is basic and polar, at codon 366 of the GLDC protein (p.Gln366Arg).

Literature cited by the submitters: PubMed 26179960.